The following is an entry in ClinVar:

NM_001042492.3(NF1):c.633del (p.Val212fs)

Gene: NF1 (neurofibromin 1; plus strand). Cytogenetic location: 17q11.2.
Variant type: Deletion.
Coding change: c.633del on transcript NM_001042492.3 (MANE Select); coding-DNA position 633, one base deleted (A; older notation c.633delA).
Protein change: p.Val212fs; shifts the reading frame from valine 212.
Molecular consequence: frameshift variant.
Genome position (GRCh38, 1-based): chr17:31,181,468, A deleted. VCF-style (leftmost placement, unchanged base first): chr17-31181467-CA-C. GRCh37 (hg19) VCF-style: chr17-29508485-CA-C.
Other names: c.633delA, p.Val212Leufs (NM_000267.4); c.633del, p.Val212fs (NM_001128147.3); short protein forms V212fs.
Identifiers: ClinVar variation 2768448 (VCV002768448.3), dbSNP rs2544747871, ClinGen allele CA2697559663.

ClinVar aggregate classification (germline): Pathogenic (1 of 4 stars; one submission).

Conditions:
Neurofibromatosis, type 1 (NF1). Also called: VON RECKLINGHAUSEN DISEASE; Neurofibromatosis, type I; NEUROFIBROMATOSIS, TYPE I, SOMATIC; Peripheral type neurofibromatosis. Identifiers: Orphanet 636, MedGen C0027831, MONDO:0018975, OMIM 162200. Disease mechanism: loss of function.

Submission:

Labcorp Genetics (formerly Invitae), Labcorp
Classification: Pathogenic for Neurofibromatosis, type 1. Last evaluated: 2023-06-15. Review status: criteria provided, single submitter. Criteria: Invitae Variant Classification Sherloc (09022015). Collection method: clinical testing. Allele origin: germline.
Comment: This variant has not been reported in the literature in individuals affected with NF1-related conditions. For these reasons, this variant has been classified as Pathogenic. This variant is not present in population databases (gnomAD no frequency). This sequence change creates a premature translational stop signal (p.Val212Leufs*2) in the NF1 gene. It is expected to result in an absent or disrupted protein product. Loss-of-function variants in NF1 are known to be pathogenic (PMID: 10712197, 23913538).

Literature cited by the submitters: PubMed 10712197; PubMed 23913538.